The following is an entry in ClinVar:

NM_005726.6(TSFM):c.176A>G (p.Tyr59Cys)

Gene: TSFM (Ts translation elongation factor, mitochondrial; plus strand). Cytogenetic location: 12q14.1.
Variant type: single nucleotide variant.
Coding change: c.176A>G on transcript NM_005726.6 (MANE Select); coding-DNA position 176, A replaced by G.
Protein change: p.Tyr59Cys; replaces tyrosine 59 with cysteine.
Molecular consequence: missense variant.
Genome position (GRCh38, 1-based): chr12:57,783,228, A>G. VCF-style: chr12-57783228-A-G. GRCh37 (hg19) VCF-style: chr12-58177011-A-G.
Other names: c.176A>G, p.Tyr59Cys (NM_001172695.2, NM_001172696.2, NM_001172697.2); short protein forms Y59C.
Identifiers: ClinVar variation 1410591 (VCV001410591.6), dbSNP rs759556471, ClinGen allele CA6659239.

ClinVar aggregate classification (germline): Uncertain significance (1 of 4 stars; one submission).

Allele frequency attached by ClinVar (database versions not stated): gnomAD exomes below 0.00001 and 0.00001; ExAC 0.00001; gnomAD 0.00001 and 0.00002; TOPMed 0.00002.
gnomAD v4.1: 5 of 1,613,352 alleles (0.00031%); highest among the groups gnomAD compares: East Asian, 0.0045%; no homozygotes.

Submission:

Labcorp Genetics (formerly Invitae), Labcorp
Classification: Uncertain significance. Last evaluated: 2024-10-22. Review status: criteria provided, single submitter. Criteria: Invitae Variant Classification Sherloc (09022015). Collection method: clinical testing. Allele origin: germline.
Comment: This sequence change replaces tyrosine, which is neutral and polar, with cysteine, which is neutral and slightly polar, at codon 59 of the TSFM protein (p.Tyr59Cys). This variant is present in population databases (rs759556471, gnomAD 0.004%). This variant has not been reported in the literature in individuals affected with TSFM-related conditions. ClinVar contains an entry for this variant (Variation ID: 1410591). Invitae Evidence Modeling of protein sequence and biophysical properties (such as structural, functional, and spatial information, amino acid conservation, physicochemical variation, residue mobility, and thermodynamic stability) indicates that this missense variant is not expected to disrupt TSFM protein function with a negative predictive value of 80%. In summary, the available evidence is currently insufficient to determine the role of this variant in disease. Therefore, it has been classified as a Variant of Uncertain Significance.